The following is an entry in ClinVar:

ClinVar aggregate classification (germline): Conflicting classifications of pathogenicity. Review status: criteria provided, conflicting classifications (1 of 4 stars). 2 submissions from 2 submitters: Likely pathogenic (1); Uncertain significance (1). Last evaluated 2015-09-28.

Conditions:
X-linked intellectual disability Cabezas type (MRXSC). Also called: MENTAL RETARDATION, X-LINKED, SYNDROMIC 15; CABEZAS SYNDROME; Intellectual developmental disorder, X-linked syndromic, Cabezas type. Identifiers: Orphanet 85289, Orphanet 85293, MedGen C1845861, MONDO:0010306, OMIM 300354.

Submissions (2):

Genetic Services Laboratory, University of Chicago
Classification: Uncertain significance. Last evaluated: 2015-09-28. Review status: criteria provided, single submitter. Criteria: ACMG Guidelines, 2015. Collection method: clinical testing. Allele origin: germline. Affected: no.

Rady Children's Institute for Genomic Medicine, Rady Children's Hospital San Diego
Classification: Likely pathogenic for Intellectual developmental disorder, X-linked syndromic, Cabezas type. Review status: criteria provided, single submitter. Criteria: ACMG Guidelines, 2015. Collection method: clinical testing. Allele origin: germline. Affected: yes.
Comment: This variant has not been previously reported or functionally characterized in the literature to our knowledge. The CUL4B gene is constrained against variation (Z-score= 3.77 and pLI = 1), and missense variants are a common mechanism of disease (PMID: 25385192, 17236139). The c.1840C>T (p.Arg614Cys) variant is absent from the gnomAD population database and thus is presumed to be rare. The c.1840C>T (p.Arg614Cys) variant affects a highly conserved amino acid and is predicted by multiple in silico tools to have a deleterious effect on protein function. Analysis of the parental samples was negative for the variant, indicating this variant likely occurred as a de novo event. Based on the available evidence, the c.1840C>T (p.Arg614Cys) variant is classified as Likely Pathogenic.

NM_001079872.2(CUL4B):c.1786C>T (p.Arg596Cys)

Gene: CUL4B (cullin 4B; minus strand). Cytogenetic location: Xq24.
Variant type: single nucleotide variant.
Coding change: c.1786C>T on transcript NM_001079872.2 (MANE Select); coding-DNA position 1786, C replaced by T.
Protein change: p.Arg596Cys; replaces arginine 596 with cysteine.
Molecular consequence: missense variant.
Genome position (GRCh38, 1-based): chrX:120,538,726, G>A on the plus strand (C>T on the coding strand, the complement: CUL4B is on the minus strand). VCF-style: chrX-120538726-G-A. GRCh37 (hg19) VCF-style: chrX-119672581-G-A.
Other names: c.1801C>T, p.Arg601Cys (NM_001330624.2); c.1252C>T, p.Arg418Cys (NM_001369145.1); c.1840C>T, p.Arg614Cys (NM_003588.4); short protein forms R614C, R596C, R601C, R418C.
Identifiers: ClinVar variation 434873 (VCV000434873.7), dbSNP rs1556200641, ClinGen allele CA414195545.